The following is an entry in ClinVar:

NM_006755.2(TALDO1):c.379G>A (p.Glu127Lys)

Gene: TALDO1 (transaldolase 1; plus strand). Cytogenetic location: 11p15.5.
Variant type: single nucleotide variant.
Coding change: c.379G>A on transcript NM_006755.2 (MANE Select); coding-DNA position 379, G replaced by A.
Protein change: p.Glu127Lys; replaces glutamic acid 127 with lysine.
Molecular consequence: missense variant.
Genome position (GRCh38, 1-based): chr11:760,171, G>A. VCF-style: chr11-760171-G-A. GRCh37 (hg19) VCF-style: chr11-760171-G-A.
Other names: short protein forms E127K.
Identifiers: ClinVar variation 2187377 (VCV002187377.4), dbSNP rs1225410619, ClinGen allele CA378931535.

ClinVar aggregate classification (germline): Uncertain significance (1 of 4 stars; one submission).

Allele frequency attached by ClinVar (database versions not stated): gnomAD 0.00001; TOPMed 0.00001.
gnomAD v4.1: 4 of 1,614,052 alleles (0.00025%); highest among the groups gnomAD compares: African/African-American, 0.0013%; no homozygotes.

Submission:

Labcorp Genetics (formerly Invitae), Labcorp
Classification: Uncertain significance. Last evaluated: 2022-05-08. Review status: criteria provided, single submitter. Criteria: Invitae Variant Classification Sherloc (09022015). Collection method: clinical testing. Allele origin: germline.
Comment: This sequence change replaces glutamic acid, which is acidic and polar, with lysine, which is basic and polar, at codon 127 of the TALDO1 protein (p.Glu127Lys). In summary, the available evidence is currently insufficient to determine the role of this variant in disease. Therefore, it has been classified as a Variant of Uncertain Significance. Algorithms developed to predict the effect of missense changes on protein structure and function (SIFT, PolyPhen-2, Align-GVGD) all suggest that this variant is likely to be tolerated. This variant has not been reported in the literature in individuals affected with TALDO1-related conditions. This variant is present in population databases (no rsID available, gnomAD 0.01%).